The following is an entry in ClinVar:

ClinVar aggregate classification (germline): Pathogenic. Review status: criteria provided, multiple submitters, no conflicts (2 of 4 stars). 2 submissions from 2 submitters: Pathogenic (2). Last evaluated 2025-06-04.

Conditions:
Hereditary cancer-predisposing syndrome. Also called: Tumor predisposition; Hereditary neoplastic syndrome; Neoplastic Syndromes, Hereditary; Hereditary Cancer Syndrome. Identifiers: Orphanet 140162, MedGen C0027672, MeSH D009386, MONDO:0015356.
Familial adenomatous polyposis 1 (FAP1). Also called: POLYPOSIS, ADENOMATOUS INTESTINAL; FAMILIAL ADENOMATOUS POLYPOSIS 1, ATTENUATED. Identifiers: MedGen C2713442, MONDO:0021056, OMIM 175100. Disease mechanism: loss of function.

Submissions (2):

Ambry Genetics
Classification: Pathogenic for Hereditary cancer-predisposing syndrome. Last evaluated: 2025-06-04. Review status: criteria provided, single submitter. Criteria: Ambry Variant Classification Scheme 2023. Collection method: clinical testing. Allele origin: germline.
Comment: The p.Q50* pathogenic mutation (also known as c.148C>T), located in coding exon 2 of the APC gene, results from a C to T substitution at nucleotide position 148. This changes the amino acid from a glutamine to a stop codon within coding exon 2. This variant was reported in individual(s) with features consistent with APC-associated familial adenomatous polyposis (Schwiter R et al. Genet Med. 2023 Dec;25:100949; Ambry internal data). This variant is considered to be rare based on population cohorts in the Genome Aggregation Database (gnomAD). This alteration is expected to result in loss of function by premature protein truncation or nonsense-mediated mRNA decay. As such, this alteration is interpreted as a disease-causing mutation. However, alterations that result in premature termination in coding exon 2 are associated with an attenuated phenotype and may have reduced penetrance compared to classic familial adenomatous polyposis syndrome. Clinical correlation is advised.

Labcorp Genetics (formerly Invitae), Labcorp
Classification: Pathogenic for Familial adenomatous polyposis 1. Last evaluated: 2020-09-24. Review status: criteria provided, single submitter. Criteria: Invitae Variant Classification Sherloc (09022015). Collection method: clinical testing. Allele origin: germline.
Comment: This sequence change creates a premature translational stop signal (p.Gln50*) in the APC gene. It is expected to result in an absent or disrupted protein product. For these reasons, this variant has been classified as Pathogenic. Loss-of-function variants in APC are known to be pathogenic (PMID: 17963004, 20685668). This variant has not been reported in the literature in individuals with APC-related conditions. This variant is not present in population databases (ExAC no frequency).

Literature cited by the submitters: PubMed 37542411 (cited by Ambry Genetics); PubMed 17963004 (cited by Labcorp Genetics (formerly Invitae), Labcorp); PubMed 20685668 (cited by Labcorp Genetics (formerly Invitae), Labcorp).

NM_000038.6(APC):c.148C>T (p.Gln50Ter)

Gene: APC (APC regulator of Wnt signaling pathway; plus strand). Cytogenetic location: 5q22.2.
Variant type: single nucleotide variant.
Coding change: c.148C>T on transcript NM_000038.6 (MANE Select); coding-DNA position 148, C replaced by T.
Protein change: p.Gln50Ter; replaces glutamine 50 with a stop codon.
Molecular consequence: nonsense. On other transcripts: 5 prime UTR variant (4).
Genome position (GRCh38, 1-based): chr5:112,766,338, C>T. VCF-style: chr5-112766338-C-T. GRCh37 (hg19) VCF-style: chr5-112102035-C-T.
Other names: c.148C>T (NM_000038.5); c.148C>T, p.Gln50Ter (NM_001127510.3, NM_001354895.2, NM_001354896.2 and 2 more transcripts); c.178C>T, p.Gln60Ter (NM_001127511.3, NM_001354897.2, NM_001354902.2); c.73C>T, p.Gln25Ter (NM_001354898.2, NM_001354904.2); c.-30C>T (NM_001354900.2, NM_001354901.2, NM_001354905.2); c.-888C>T (NM_001354906.2); short protein forms Q25*, Q50*, Q60*.
Identifiers: ClinVar variation 1074221 (VCV001074221.9), dbSNP rs1756316465, ClinGen allele CA16021670.